The following is an entry in ClinVar:

NM_000059.4(BRCA2):c.2923_2924delinsGA (p.Ile975Asp)

Gene: BRCA2 (BRCA2 DNA repair associated; plus strand). Cytogenetic location: 13q13.1.
Variant type: Indel.
Coding change: c.2923_2924delinsGA on transcript NM_000059.4 (MANE Select); coding-DNA positions 2923 to 2924, AT replaced by GA.
Protein change: p.Ile975Asp; replaces isoleucine 975 with aspartic acid.
Molecular consequence: missense variant. On other transcripts: non-coding transcript variant (1), intron variant (2).
Genome position (GRCh38, 1-based): chr13:32,337,278-32,337,279, AT replaced by GA. VCF-style: chr13-32337278-AT-GA. GRCh37 (hg19) VCF-style: chr13-32911415-AT-GA.
Other names: c.2923_2924delinsGA, p.Ile975Asp (NM_001406719.1, NM_001406720.1); c.1909+3891_1909+3892delinsGA (NM_001406721.1); c.424+6248_424+6249delinsGA (NM_001406722.1); short protein forms I975D.
Identifiers: ClinVar variation 3010201 (VCV003010201.3), dbSNP rs2548524881, ClinGen allele CA2740097653.
Genomic context (GRCh38, chr13:32,337,278, plus strand): 5'-AACAAAAATAGTGTAAAGCAGCATATAAAAATGACTCTAGGTCAAGATTTAAAATCGGAC[AT>GA]CTCCTTGAATATAGATAAAATACCAGAAAAAAATAATGATTACATGAACAAATGGGCAGG-3'
Protein context (NP_000050.3, residues 965-985): MTLGQDLKSD[Ile975Asp]SLNIDKIPEK

ClinVar aggregate classification (germline): Uncertain significance (1 of 4 stars; one submission).

Conditions:
Hereditary breast ovarian cancer syndrome. Also called: BRCA1- and BRCA2-Associated Hereditary Breast and Ovarian Cancer; Hereditary breast and ovarian cancer syndrome (HBOC); Hereditary breast and/or ovarian cancer syndrome; Hereditary breast and ovarian cancer syndrome; Breast and ovarian cancer; Hereditary breast and ovarian cancer. Identifiers: Orphanet 145, MedGen C0677776, MeSH D061325, MONDO:0003582. Disease mechanism: loss of function.

Submission:

Labcorp Genetics (formerly Invitae), Labcorp
Classification: Uncertain significance for Hereditary breast ovarian cancer syndrome. Last evaluated: 2021-06-20. Review status: criteria provided, single submitter. Criteria: Invitae Variant Classification Sherloc (09022015). Collection method: clinical testing. Allele origin: germline.
Comment: Experimental studies and prediction algorithms are not available or were not evaluated, and the functional significance of this variant is currently unknown. This variant has not been reported in the literature in individuals with BRCA2-related conditions. The frequency data for this variant in the population databases is not available, as this variant may be reported as separate entries in the ExAC database. This sequence change replaces isoleucine with aspartic acid at codon 975 of the BRCA2 protein (p.Ile975Asp). The isoleucine residue is weakly conserved and there is a small physicochemical difference between isoleucine and aspartic acid. In summary, the available evidence is currently insufficient to determine the role of this variant in disease. Therefore, it has been classified as a Variant of Uncertain Significance.